The following is an entry in ClinVar:

ClinVar aggregate classification (somatic clinical impact): Tier I - Strong (1 of 4 stars; one submission).

Conditions:
Medulloblastoma WNT activated. Identifiers: MedGen C4331965, MONDO:0850196.

Submission:

Institute for Genomic Medicine (IGM) Clinical Laboratory, Nationwide Children's Hospital
Classification: Tier I - Strong for Medulloblastoma WNT activated. Assertion type: diagnostic. Clinical significance: supports diagnosis. Last evaluated: 2022-12-02. Review status: criteria provided, single submitter. Criteria: AMP/ASCO/CAP Guidelines, 2017. Collection method: clinical testing. Allele origin: somatic. Affected: yes.
Comment: Variant has Tier I (strong) clinical significance as a diagnostic inclusion criterion in medulloblastoma WNT activated, based on the following evidence: 1) Appears in one or more well-established professional guidelines (e.g., World Health Organization [WHO]; National Comprehensive Cancer Network [NCCN]) as providing diagnostic, prognostic, or therapeutic information. 2) Diagnostic for a specific tumor type/classification based on well-powered studies with expert-level consensus (Evidence Level B; PMIDs: 22820256, 28726821, 31799776, 30588243).

Literature cited by the submitters: PubMed 22820256; PubMed 28726821; PubMed 31799776; PubMed 30588243.

NM_001320.7(CSNK2B):c.367G>A (p.Gly123Ser)

Gene: CSNK2B (casein kinase 2 beta; plus strand). Cytogenetic location: 6p21.33.
Variant type: single nucleotide variant.
Coding change: c.367G>A on transcript NM_001320.7 (MANE Select); coding-DNA position 367, G replaced by A.
Protein change: p.Gly123Ser; replaces glycine 123 with serine.
Molecular consequence: missense variant.
Genome position (GRCh38, 1-based): chr6:31,669,172, G>A. VCF-style: chr6-31669172-G-A. GRCh37 (hg19) VCF-style: chr6-31636949-G-A.
Other names: c.367G>A, p.Asp123Asn (NM_001282385.2); short protein forms D123N, G123S.
Identifiers: ClinVar variation 4530121 (VCV004530121.1).
Genomic context (GRCh38, chr6:31,669,172, plus strand): 5'-CAAGGAGACTTTGGTTACTGTCCTCGTGTGTACTGTGAGAACCAGCCAATGCTTCCCATT[G>A]GTGAGTGTTGAAGAAGGGAAAGGAAAGCACCGTGTGGCAGTCTTATGGGAAGGAGTTGGG-3'
Protein context (NP_001311.3, residues 113-133): YCENQPMLPI[Gly123Ser]LSDIPGEAMV